The following is an entry in ClinVar:

NM_001943.5(DSG2):c.2143G>T (p.Asp715Tyr)

Genes: DSG2 (desmoglein 2; plus strand), DSG2-AS1 (DSG2 antisense RNA 1; minus strand). Cytogenetic location: 18q12.1.
Variant type: single nucleotide variant.
Coding change: c.2143G>T on transcript NM_001943.5 (MANE Select); coding-DNA position 2143, G replaced by T.
Protein change: p.Asp715Tyr; replaces aspartic acid 715 with tyrosine.
Molecular consequence: missense variant.
Genome position (GRCh38, 1-based): chr18:31,542,661, G>T. VCF-style: chr18-31542661-G-T. GRCh37 (hg19) VCF-style: chr18-29122624-G-T.
Other names: short protein forms D715Y.
Identifiers: ClinVar variation 963941 (VCV000963941.11), dbSNP rs2073276150, ClinGen allele CA402142058.
Genomic context (GRCh38, chr18:31,542,661, plus strand): 5'-ACGATGAAAGGAAGTAGCTCTGCTTCCATTGTCAAAGGGCAACATGAGATGTCCGAGATG[G>T]ATGGAAGGTGGGAAGAACACAGAAGCCTGCTTTCTGGTAGAGCTACCCAGTTTACAGGGG-3'
Protein context (NP_001934.2, residues 705-725): VKGQHEMSEM[Asp715Tyr]GRWEEHRSLL

ClinVar aggregate classification (germline): Uncertain significance. Review status: criteria provided, multiple submitters, no conflicts (2 of 4 stars). 2 submissions from 2 submitters: Uncertain significance (2). Last evaluated 2024-03-06.

Conditions:
Cardiomyopathy (CMYO). Also called: Cardiomyopathies. Identifiers: Orphanet 167848, MedGen C0878544, MONDO:0004994, HP:0001638. Inheritance: Various modes of inheritance.
Arrhythmogenic right ventricular dysplasia 10. Also called: ARRHYTHMOGENIC RIGHT VENTRICULAR DYSPLASIA, FAMILIAL, 10; Arrhythmogenic Right Ventricular Dysplasia/Cardiomyopathy10; Arrhythmogenic right ventricular dysplasia/cardiomyopathy, type 10. Identifiers: MedGen C1857777, MONDO:0012434, OMIM 610193.

Submissions (2):

Color Diagnostics, LLC DBA Color Health
Classification: Uncertain significance for Cardiomyopathy. Last evaluated: 2024-03-06. Review status: criteria provided, single submitter. Criteria: ACMG Guidelines, 2015. Collection method: clinical testing. Allele origin: germline.
Comment: This missense variant replaces aspartic acid with tyrosine at codon 715 of the DSG2 protein. Computational prediction suggests that this variant may not impact protein structure and function (internally defined REVEL score threshold <= 0.5, PMID: 27666373). To our knowledge, functional studies have not been reported for this variant. This variant has not been reported in individuals affected with cardiovascular disorders in the literature. This variant has not been identified in the general population by the Genome Aggregation Database (gnomAD). The available evidence is insufficient to determine the role of this variant in disease conclusively. Therefore, this variant is classified as a Variant of Uncertain Significance.

Labcorp Genetics (formerly Invitae), Labcorp
Classification: Uncertain significance for Arrhythmogenic right ventricular dysplasia 10. Last evaluated: 2022-11-22. Review status: criteria provided, single submitter. Criteria: Invitae Variant Classification Sherloc (09022015). Collection method: clinical testing. Allele origin: germline.
Comment: This sequence change replaces aspartic acid, which is acidic and polar, with tyrosine, which is neutral and polar, at codon 715 of the DSG2 protein (p.Asp715Tyr). This variant is not present in population databases (gnomAD no frequency). This variant has not been reported in the literature in individuals affected with DSG2-related conditions. ClinVar contains an entry for this variant (Variation ID: 963941). Advanced modeling of protein sequence and biophysical properties (such as structural, functional, and spatial information, amino acid conservation, physicochemical variation, residue mobility, and thermodynamic stability) performed at Invitae indicates that this missense variant is not expected to disrupt DSG2 protein function. In summary, the available evidence is currently insufficient to determine the role of this variant in disease. Therefore, it has been classified as a Variant of Uncertain Significance.